The following is an entry in ClinVar:

ClinVar aggregate classification (germline): Conflicting classifications of pathogenicity. Review status: criteria provided, conflicting classifications (1 of 4 stars). 2 submissions from 2 submitters: Likely pathogenic (1); Uncertain significance (1). Last evaluated 2025-07-03.

Allele frequency attached by ClinVar (database versions not stated): gnomAD exomes below 0.00001.
gnomAD v4.1: 5 of 1,211,444 alleles (0.00041%); highest among the groups gnomAD compares: South Asian, 0.0088%; no homozygotes.

Submissions (2):

Women's Health and Genetics/Laboratory Corporation of America, LabCorp
Classification: Uncertain significance. Last evaluated: 2025-07-03. Review status: criteria provided, single submitter. Criteria: LabCorp Variant Classification Summary - May 2015. Collection method: clinical testing. Allele origin: germline.
Comment: Variant summary: RS1 c.404G>C (p.Gly135Ala) results in a non-conservative amino acid change located in the Coagulation factor 5/8 C-terminal domain (IPR000421) of the encoded protein sequence. Algorithms developed to predict the effect of missense changes on protein structure and function all suggest that this variant is likely to be disruptive. The variant allele was found at a frequency of 5.4e-06 in 183520 control chromosomes (gnomAD). The available data on variant occurrences in the general population are insufficient to allow any conclusion about variant significance. To our knowledge, no occurrence of c.404G>C in individuals affected with Juvenile Retinoschisis and no experimental evidence demonstrating its impact on protein function have been reported. ClinVar contains an entry for this variant (Variation ID: 2691580). Based on the evidence outlined above, the variant was classified as uncertain significance.

Labcorp Genetics (formerly Invitae), Labcorp
Classification: Likely pathogenic. Last evaluated: 2023-09-22. Review status: criteria provided, single submitter. Criteria: Invitae Variant Classification Sherloc (09022015). Collection method: clinical testing. Allele origin: germline.
Comment: In summary, the currently available evidence indicates that the variant is pathogenic, but additional data are needed to prove that conclusively. Therefore, this variant has been classified as Likely Pathogenic. This variant disrupts the p.Gly135 amino acid residue in RS1. Other variant(s) that disrupt this residue have been determined to be pathogenic (PMID: 9618178, 30652005; Invitae). This suggests that this residue is clinically significant, and that variants that disrupt this residue are likely to be disease-causing. Advanced modeling of protein sequence and biophysical properties (such as structural, functional, and spatial information, amino acid conservation, physicochemical variation, residue mobility, and thermodynamic stability) performed at Invitae indicates that this missense variant is expected to disrupt RS1 protein function. This variant has not been reported in the literature in individuals affected with RS1-related conditions. This variant is present in population databases (no rsID available, gnomAD 0.005%). This sequence change replaces glycine, which is neutral and non-polar, with alanine, which is neutral and non-polar, at codon 135 of the RS1 protein (p.Gly135Ala).

Literature cited by the submitters: PubMed 9618178 (cited by Labcorp Genetics (formerly Invitae), Labcorp); PubMed 30652005 (cited by Labcorp Genetics (formerly Invitae), Labcorp).

NM_000330.4(RS1):c.404G>C (p.Gly135Ala)

Genes: CDKL5 (cyclin dependent kinase like 5; plus strand), RS1 (retinoschisin 1; minus strand). Cytogenetic location: Xp22.13.
Variant type: single nucleotide variant.
Coding change: c.404G>C on transcript NM_000330.4 (MANE Select); coding-DNA position 404, G replaced by C.
Protein change: p.Gly135Ala; replaces glycine 135 with alanine.
Molecular consequence: missense variant. On other transcripts: intron variant (2).
Genome position (GRCh38, 1-based): chrX:18,644,548, C>G on the plus strand (G>C on the coding strand, the complement: RS1 is on the minus strand). VCF-style: chrX-18644548-C-G. GRCh37 (hg19) VCF-style: chrX-18662668-C-G.
Other names: c.2714-1459C>G (NM_003159.3, NM_001037343.2); short protein forms G135A.
Identifiers: ClinVar variation 2691580 (VCV002691580.6), dbSNP rs61752152, ClinGen allele CA412371991.
Genomic context (GRCh38, chrX:18,644,548, plus strand): 5'-TACTGCACGCTGTACTTGGTCATCCACTCATCGATGTCACAGCGCCCCTGGGTGAGGATC[C>G]CTGAAATCACTTTGATCTCCTTCAGATCTATCTGTAACCACTGGCTACTGTCCTGGAACT-3'
Protein context (NP_000321.1, residues 125-145): IDLKEIKVIS[Gly135Ala]ILTQGRCDID